The following is an entry in ClinVar:

ClinVar aggregate classification (germline): Benign/Likely benign. Review status: criteria provided, multiple submitters, no conflicts (2 of 4 stars). 2 submissions from 2 submitters: Benign (1); Likely benign (1). Last evaluated 2024-10-31.

Conditions:
Multiple endocrine neoplasia, type 1 (MEN1). Also called: MEN I; WERMER SYNDROME; Endocrine adenomatosis multiple; MEN 1; MEA I. Identifiers: Orphanet 652, MedGen C0025267, MeSH D018761, MONDO:0007540, OMIM 131100.
Hereditary cancer-predisposing syndrome. Also called: Neoplastic Syndromes, Hereditary; Tumor predisposition; Hereditary neoplastic syndrome; Hereditary Cancer Syndrome. Identifiers: Orphanet 140162, MedGen C0027672, MeSH D009386, MONDO:0015356.

Allele frequency attached by ClinVar (database versions not stated): gnomAD exomes below 0.00001.
gnomAD v4.1: 1 of 1,610,190 alleles (0.000062%); highest among the groups gnomAD compares: East Asian, 0.0022%; no homozygotes.

Submissions (2):

Myriad Genetics, Inc.
Classification: Benign for Multiple endocrine neoplasia, type 1. Last evaluated: 2024-10-31. Review status: criteria provided, single submitter. Criteria: Myriad Autosomal Dominant, Autosomal Recessive and X-Linked Classification Criteria (2023). Collection method: clinical testing. Allele origin: unknown.
Comment: This variant is considered benign. This variant is a silent/synonymous amino acid change and it is not expected to impact splicing.

Ambry Genetics
Classification: Likely benign for Hereditary cancer-predisposing syndrome. Last evaluated: 2020-12-14. Review status: criteria provided, single submitter. Criteria: Ambry Variant Classification Scheme 2023. Collection method: clinical testing. Allele origin: germline.

NM_001370259.2(MEN1):c.66G>A (p.Leu22=)

Gene: MEN1 (menin 1; minus strand). Cytogenetic location: 11q13.1.
Variant type: single nucleotide variant.
Coding change: c.66G>A on transcript NM_001370259.2 (MANE Select); coding-DNA position 66, G replaced by A.
Protein change: p.Leu22=; no amino-acid change (leucine 22 retained).
Molecular consequence: synonymous variant. On other transcripts: non-coding transcript variant (4).
Genome position (GRCh38, 1-based): chr11:64,810,044, C>T on the plus strand (G>A on the coding strand, the complement: MEN1 is on the minus strand). VCF-style: chr11-64810044-C-T. GRCh37 (hg19) VCF-style: chr11-64577516-C-T.
Other names: c.66G>A, p.Leu22= (NM_000244.4, NM_001370251.2, NM_001370260.2 and 20 more transcripts).
Identifiers: ClinVar variation 1754977 (VCV001754977.3), dbSNP rs1942020951, ClinGen allele CA475163158.